The following is an entry in ClinVar:

ClinVar aggregate classification (germline): Likely benign (0 of 4 stars; one submission).

Conditions:
WEE2-related disorder. Also called: WEE2-related condition.

Allele frequency attached by ClinVar (database versions not stated): gnomAD exomes 0.00003; ESP Exome Variant Server 0.00017; ExAC 0.00003; gnomAD 0.00004; TOPMed 0.00007.
gnomAD v4.1: 57 of 1,613,914 alleles (0.0035%); highest among the groups gnomAD compares: Admixed American, 0.01%; no homozygotes.

Submission:

PreventionGenetics, part of Exact Sciences
Classification: Likely benign for WEE2-related condition. Last evaluated: 2019-04-24. Review status: no assertion criteria provided. Collection method: clinical testing. Allele origin: germline.
Comment: This variant is classified as likely benign based on ACMG/AMP sequence variant interpretation guidelines (Richards et al. 2015 PMID: 25741868, with internal and published modifications).

NM_001105558.1(WEE2):c.1536-9G>A

Genes: WEE2 (WEE2 oocyte meiosis inhibiting kinase; plus strand), WEE2-AS1 (WEE2 antisense RNA 1; minus strand). Cytogenetic location: 7q34.
Variant type: single nucleotide variant.
Coding change: c.1536-9G>A on transcript NM_001105558.1 (MANE Select); 9 bases into the intron before coding-DNA position 1536, G replaced by A.
Molecular consequence: intron variant.
Genome position (GRCh38, 1-based): chr7:141,729,522, G>A. VCF-style: chr7-141729522-G-A. GRCh37 (hg19) VCF-style: chr7-141429322-G-A.
Identifiers: ClinVar variation 3051238 (VCV003051238.2), dbSNP rs373476085, ClinGen allele CA4518558.